The following is an entry in ClinVar:

ClinVar aggregate classification (germline): Uncertain significance. Review status: criteria provided, multiple submitters, no conflicts (2 of 4 stars). 3 submissions from 3 submitters: Uncertain significance (3). Last evaluated 2025-07-10.

Submissions (3):

Labcorp Genetics (formerly Invitae), Labcorp
Classification: Uncertain significance. Last evaluated: 2025-07-10. Review status: criteria provided, single submitter. Criteria: Invitae Variant Classification Sherloc (09022015). Collection method: clinical testing. Allele origin: germline.
Comment: This sequence change creates a premature translational stop signal (p.Val41Serfs*2) in the RECQL gene. It is expected to result in an absent or disrupted protein product. However, the current clinical and genetic evidence is not sufficient to establish whether loss-of-function variants in RECQL cause disease. The frequency data for this variant in the population databases is considered unreliable, as metrics indicate poor data quality at this position in the gnomAD database. This premature translational stop signal has been observed in individual(s) with endometrial cancer (PMID: 36744932). ClinVar contains an entry for this variant (Variation ID: 1749890). In summary, the available evidence is currently insufficient to determine the role of this variant in disease. Therefore, it has been classified as a Variant of Uncertain Significance.

Ambry Genetics
Classification: Uncertain significance. Last evaluated: 2023-12-13. Review status: criteria provided, single submitter. Criteria: Ambry Variant Classification Scheme 2023. Collection method: clinical testing. Allele origin: germline.
Comment: The c.120delA variant, located in coding exon 2 of the RECQL gene, results from a deletion of one nucleotide at nucleotide position 120, causing a translational frameshift with a predicted alternate stop codon (p.V41Sfs*2). This alteration is expected to result in loss of function by premature protein truncation or nonsense-mediated mRNA decay. However, this truncation occurs near the 5&rsquo; end of the RECQL gene and may escape NMD and/or be rescued by re-initiation (Rivas et al. Science. 2015 May 8;348(6235):666-9; Lindeboom et al. Nat Genet. 2016 Oct;48(10):1112-8; Rhee et al. Sci Rep. 2017 May 10;7(1):1653). The evidence for this gene-disease relationship is limited; therefore, the clinical significance of this alteration is unclear.

Quest Diagnostics Nichols Institute San Juan Capistrano
Classification: Uncertain significance. Last evaluated: 2023-08-01. Review status: criteria provided, single submitter. Criteria: Quest Diagnostics criteria. Collection method: clinical testing. Allele origin: unknown.
Comment: This variant alters the translational reading frame of the RECQL mRNA and is predicted to cause the premature termination of RECQL protein synthesis. In the published literature, this variant has been reported in at least one individual with colorectal cancer as a somatic mutation (PMID: 31659152 (2019)). The frequency of this variant in the general population, 0.000091 (3/33000 chromosomes (Genome Aggregation Database)), is uninformative in the assessment of its pathogenicity. Based on the available information, we are unable to determine the clinical significance of this variant.

Literature cited by the submitters: PubMed 36744932 (cited by Labcorp Genetics (formerly Invitae), Labcorp); PubMed 25915596 (cited by Ambry Genetics and Quest Diagnostics Nichols Institute San Juan Capistrano); PubMed 31659152 (cited by Ambry Genetics and Quest Diagnostics Nichols Institute San Juan Capistrano); PubMed 32517021 (cited by Ambry Genetics and Quest Diagnostics Nichols Institute San Juan Capistrano).

NM_002907.4(RECQL):c.120del (p.Val41fs)

Gene: RECQL (RecQ like helicase; minus strand). Cytogenetic location: 12p12.1.
Variant type: Deletion.
Coding change: c.120del on transcript NM_002907.4 (MANE Select); coding-DNA position 120, one base deleted (A; older notation c.120delA).
Protein change: p.Val41fs; shifts the reading frame from valine 41.
Molecular consequence: frameshift variant.
Genome position (GRCh38, 1-based): chr12:21,491,613, T deleted on the plus strand (A on the coding strand, the reverse complement: RECQL is on the minus strand); the first of 9 consecutive T bases (chr12:21,491,613-21,491,621); deleting any one gives the same sequence. VCF-style (leftmost placement, unchanged base first): chr12-21491612-CT-C. GRCh37 (hg19) VCF-style: chr12-21644546-CT-C.
Other names: c.120del (NM_002907.3); c.120del, p.Val41fs (NM_032941.3); c.120delA (NM_002907.3); short protein forms V41fs.
Identifiers: ClinVar variation 1749890 (VCV001749890.4), dbSNP rs745659712, ClinGen allele CA6479199.
Genomic context (GRCh38, chr12:21,491,612, plus strand): 5'-ATTCATTGCTTGCCCCGGCATCAGAATCCTCTAAACACTGCTTTATTTTCTTTGTCAGGA[CT>C]TTTTTTTTCTGAATAAGCTCTTGTTGCCTTTCCGTAAGTTCTTGAATTTGAATTTCTACT-3'